The following is an entry in ClinVar:

ClinVar aggregate classification (germline): Likely pathogenic. Review status: criteria provided, single submitter (1 of 4 stars). 2 submissions from 2 submitters: Likely pathogenic (1). 1 of the submissions does not count toward it. Last evaluated 2025-03-11.

Conditions:
Telangiectasia, hereditary hemorrhagic, type 5 (HHT5). Identifiers: Orphanet 774, MedGen C3809710, MONDO:0014217, OMIM 615506.

gnomAD v4.1: 2 of 1,539,832 alleles (0.00013%); highest among the groups gnomAD compares: Non-Finnish European, 0.00018%; no homozygotes.

Submissions (2):

Labcorp Genetics (formerly Invitae), Labcorp
Classification: Likely pathogenic for Telangiectasia, hereditary hemorrhagic, type 5. Last evaluated: 2025-03-11. Review status: criteria provided, single submitter. Criteria: Invitae Variant Classification Sherloc (09022015). Collection method: clinical testing. Allele origin: germline.
Comment: This sequence change replaces cysteine, which is neutral and slightly polar, with arginine, which is basic and polar, at codon 428 of the GDF2 protein (p.Cys428Arg). This variant is present in population databases (no rsID available, gnomAD 0.007%). This missense change has been observed in individual(s) with hereditary hemorrhagic telangiectasia and/or pulmonary arterial hypertension (PMID: 31727138, 34904380). It has also been observed to segregate with disease in related individuals. Invitae Evidence Modeling of protein sequence and biophysical properties (such as structural, functional, and spatial information, amino acid conservation, physicochemical variation, residue mobility, and thermodynamic stability) indicates that this missense variant is expected to disrupt GDF2 protein function with a positive predictive value of 80%. Experimental studies have shown that this missense change affects GDF2 function (PMID: 34904380). In summary, the currently available evidence indicates that the variant is pathogenic, but additional data are needed to prove that conclusively. Therefore, this variant has been classified as Likely Pathogenic.

OMIM
Classification: Pathogenic for TELANGIECTASIA, HEREDITARY HEMORRHAGIC, TYPE 5. Last evaluated: 2024-11-22. Review status: no assertion criteria provided. Collection method: literature only. Allele origin: germline. Not counted in ClinVar's aggregate classification.

Literature cited by the submitters: PubMed 31727138 (cited by Labcorp Genetics (formerly Invitae), Labcorp); PubMed 34904380 (cited by Labcorp Genetics (formerly Invitae), Labcorp and OMIM).

NM_016204.4(GDF2):c.1282T>C (p.Cys428Arg)

Gene: GDF2 (growth differentiation factor 2; plus strand). Cytogenetic location: 10q11.22.
Variant type: single nucleotide variant.
Coding change: c.1282T>C on transcript NM_016204.4 (MANE Select); coding-DNA position 1282, T replaced by C.
Protein change: p.Cys428Arg; replaces cysteine 428 with arginine.
Molecular consequence: missense variant.
Genome position (GRCh38, 1-based): chr10:47,325,776, T>C. VCF-style: chr10-47325776-T-C. GRCh37 (hg19) VCF-style: chr10-48413586-A-G.
Other names: C428R.
Identifiers: ClinVar variation 3381190 (VCV003381190.2).